The following is an entry in ClinVar:

ClinVar aggregate classification (germline): Likely benign. Review status: criteria provided, multiple submitters, no conflicts (2 of 4 stars). 2 submissions from 2 submitters: Likely benign (2). Last evaluated 2026-03-01.

Allele frequency attached by ClinVar (database versions not stated): gnomAD exomes 0.00003; ExAC 0.00004; TOPMed 0.00004; gnomAD 0.00006 and 0.00007; 1000 Genomes Project 30x 0.00031; 1000 Genomes Project 0.00040.
gnomAD v4.1: 35 of 1,611,100 alleles (0.0022%); highest among the groups gnomAD compares: Admixed American, 0.018%; no homozygotes.

Submissions (2):

CeGaT Center for Human Genetics Tuebingen
Classification: Likely benign. Last evaluated: 2026-03-01. Review status: criteria provided, single submitter. Criteria: CeGaT Center For Human Genetics Tuebingen Variant Classification Criteria Version 2. Collection method: clinical testing. Allele origin: germline. Affected: yes. Observed: 1 variant allele.
Comment: TRIM8: BP4, BP7

Labcorp Genetics (formerly Invitae), Labcorp
Classification: Likely benign. Last evaluated: 2025-06-11. Review status: criteria provided, single submitter. Criteria: Invitae Variant Classification Sherloc (09022015). Collection method: clinical testing. Allele origin: germline.

NM_030912.3(TRIM8):c.267G>A (p.Ala89=)

Gene: TRIM8 (tripartite motif containing 8; plus strand). Cytogenetic location: 10q24.32.
Variant type: single nucleotide variant.
Coding change: c.267G>A on transcript NM_030912.3 (MANE Select); coding-DNA position 267, G replaced by A.
Protein change: p.Ala89=; no amino-acid change (alanine 89 retained).
Molecular consequence: synonymous variant. On other transcripts: non-coding transcript variant (1).
Genome position (GRCh38, 1-based): chr10:102,644,884, G>A. VCF-style: chr10-102644884-G-A. GRCh37 (hg19) VCF-style: chr10-104404641-G-A.
Other names: c.267G>A, p.Ala89= (NM_001345950.1).
Identifiers: ClinVar variation 1592123 (VCV001592123.12), dbSNP rs543231062, ClinGen allele CA5668060.
Genomic context (GRCh38, chr10:102,644,884, plus strand): 5'-GAAGCTCACCAACATCGTGGAGAAGTTCAATGCCCTGCACGTGGAGAAGCCGCCGGCGGC[G>A]CTGCACTGCGTGTTCTGCCGCCGCGGCCCCCCGCTGCCCGCGCAGAAGGTCTGCCTGCGC-3'
Protein context (NP_112174.2, residues 79-99): NALHVEKPPA[Ala89=]LHCVFCRRGP